The following is an entry in ClinVar:

ClinVar aggregate classification (germline): Pathogenic (1 of 4 stars; one submission).

Conditions:
Inborn genetic diseases. Identifiers: MedGen C0950123, MeSH D030342.

Submission:

Ambry Genetics
Classification: Pathogenic for Inborn genetic diseases. Last evaluated: 2023-01-03. Review status: criteria provided, single submitter. Criteria: Ambry Variant Classification Scheme 2023. Collection method: clinical testing. Allele origin: germline.
Comment: The c.678dupC (p.F227Lfs*65) alteration, located in exon 2 (coding exon 1) of the TRAPPC12 gene, consists of a duplication of C at position 678, causing a translational frameshift with a predicted alternate stop codon after 65 amino acids. This alteration is expected to result in loss of function by premature protein truncation or nonsense-mediated mRNA decay. This variant was not reported in population-based cohorts in the Genome Aggregation Database (gnomAD). Based on the available evidence, this alteration is classified as pathogenic.

NM_016030.6(TRAPPC12):c.678dup (p.Phe227fs)

Gene: TRAPPC12 (trafficking protein particle complex subunit 12; plus strand). Cytogenetic location: 2p25.3.
Variant type: Duplication.
Coding change: c.678dup on transcript NM_016030.6 (MANE Select); coding-DNA position 678, one base duplicated (C; older notation c.678dupC).
Protein change: p.Phe227fs; shifts the reading frame from phenylalanine 227.
Molecular consequence: frameshift variant.
Genome position (GRCh38, 1-based): chr2:3,388,301, C duplicated; the last of 2 consecutive C bases (chr2:3,388,300-3,388,301); duplicating either gives the same sequence. VCF-style (leftmost placement, unchanged base first): chr2-3388299-T-TC. GRCh37 (hg19) VCF-style: chr2-3392070-T-TC.
Other names: c.678dup, p.Phe227fs (NM_001321102.2); short protein forms F227fs.
Identifiers: ClinVar variation 2340793 (VCV002340793.2), dbSNP rs2528233843, ClinGen allele CA2580066123.
Genomic context (GRCh38, chr2:3,388,299, plus strand): 5'-CTCAGCACGTTCTTCGGAGACACGGCCGCCAGCCACTCCTTGGCCTCGGACTTCTTCGAC[T>TC]CCTTTACTACCTCCGCCTTCATTTCCGTCAGCAATCCCGGCGCGGGCTCCCCGGCCCCCG-3'